The following is an entry in ClinVar:

NM_177531.6(PKHD1L1):c.9808G>A (p.Gly3270Ser)

Gene: PKHD1L1 (PKHD1 like 1; plus strand). Cytogenetic location: 8q23.1.
Variant type: single nucleotide variant.
Coding change: c.9808G>A on transcript NM_177531.6 (MANE Select); coding-DNA position 9808, G replaced by A.
Protein change: p.Gly3270Ser; replaces glycine 3270 with serine.
Molecular consequence: missense variant.
Genome position (GRCh38, 1-based): chr8:109,486,749, G>A. VCF-style: chr8-109486749-G-A. GRCh37 (hg19) VCF-style: chr8-110498978-G-A.
Other names: short protein forms G3270S.
Identifiers: ClinVar variation 4137847 (VCV004137847.3).

ClinVar aggregate classification (germline): Conflicting classifications of pathogenicity. Review status: criteria provided, conflicting classifications (1 of 4 stars). 2 submissions from 2 submitters: Uncertain significance (1); Likely benign (1). Last evaluated 2026-06-01.

gnomAD v4.1: 3,567 of 1,612,438 alleles (0.22%); highest among the groups gnomAD compares: Middle Eastern, 0.5%; 8 homozygotes.

Submissions (2):

CeGaT Center for Human Genetics Tuebingen
Classification: Likely benign. Last evaluated: 2026-06-01. Review status: criteria provided, single submitter. Criteria: CeGaT Center For Human Genetics Tuebingen Variant Classification Criteria Version 2. Collection method: clinical testing. Allele origin: germline. Affected: yes. Observed: 1 variant allele.
Comment: PKHD1L1: BP4, BS1

Ambry Genetics
Classification: Uncertain significance. Last evaluated: 2025-08-19. Review status: criteria provided, single submitter. Criteria: Ambry Variant Classification Scheme 2023. Collection method: clinical testing. Allele origin: germline.